The following is an entry in ClinVar:

ClinVar aggregate classification (germline): Uncertain significance (1 of 4 stars; one submission).

Conditions:
Joubert syndrome. Also called: CEREBELLOPARENCHYMAL DISORDER IV; JOUBERT-BOLTSHAUSER SYNDROME; Familial aplasia of the vermis. Identifiers: Orphanet 475, MedGen C5979921, MONDO:0018772.

Submission:

Labcorp Genetics (formerly Invitae), Labcorp
Classification: Uncertain significance for Joubert syndrome. Last evaluated: 2019-12-12. Review status: criteria provided, single submitter. Criteria: Invitae Variant Classification Sherloc (09022015). Collection method: clinical testing. Allele origin: germline.
Comment: This variant is an in-frame deletion of the genomic region encompassing exons 20-22 of the AHI1 gene. It preserves the integrity of the reading frame. This variant has not been reported in the literature in individuals with a AHI1-related disease. ClinVar contains entries for similar deletions (Variation ID: 397190 and 397057). Experimental studies and prediction algorithms are not available for this variant, and the functional significance of the deleted amino acids is currently unknown. In summary, the available evidence is currently insufficient to determine the role of this variant in disease. Therefore, it has been classified as a Variant of Uncertain Significance.

NC_000006.12:g.(?_135394776)_(135411544_?)del

Gene: AHI1 (Abelson helper integration site 1; minus strand). Cytogenetic location: 6q23.3.
Variant type: Deletion.
Identifiers: ClinVar variation 832919 (VCV000832919.1).